The following is an entry in ClinVar:

NC_000023.10:g.(?_107817240)_(107821596_?)del

Gene: COL4A5 (collagen type IV alpha 5 chain; plus strand). Cytogenetic location: Xq22.3.
Variant type: Deletion.
Identifiers: ClinVar variation 2423178 (VCV002423178.4).

ClinVar aggregate classification (germline): Pathogenic (1 of 4 stars; one submission).

Submission:

Labcorp Genetics (formerly Invitae), Labcorp
Classification: Pathogenic. Last evaluated: 2021-10-22. Review status: criteria provided, single submitter. Criteria: Invitae Variant Classification Sherloc (09022015). Collection method: clinical testing. Allele origin: germline.
Comment: This variant results in the deletion of exons 10-12 and part of exon 13 (c.546+356_763del) of the COL4A5 gene. It is expected to disrupt RNA splicing. Variants that disrupt the donor or acceptor splice site typically lead to a loss of protein function (PMID: 16199547), and loss-of-function variants in COL4A5 are known to be pathogenic (PMID: 9195222, 10752524, 14514738, 24854265, 26809805). For these reasons, this variant has been classified as Pathogenic. This variant disrupts the triple helix domain of COL4A5. Glycine residues within the Gly-Xaa-Yaa repeats of the triple helix domain are required for the structure and stability of fibrillar collagens (PMID: 7695699, 8218237, 19344236). In COL4A5, missense variants at these glycine residues are significantly enriched in individuals with disease (PMID: 23720012, 27627812) compared to the general population (ExAC). This variant has not been reported in the literature in individuals affected with COL4A5-related conditions.

Literature cited by the submitters: PubMed 16199547; PubMed 9195222; PubMed 10752524; PubMed 14514738; PubMed 24854265; PubMed 26809805; PubMed 7695699; PubMed 8218237; PubMed 19344236; PubMed 23720012; PubMed 27627812.